The following is an entry in ClinVar:

ClinVar aggregate classification (germline): Uncertain significance (1 of 4 stars; one submission).

gnomAD v4.1: 1 of 1,613,920 alleles (0.000062%); highest among the groups gnomAD compares: Non-Finnish European, 0.000085%; no homozygotes.

Submission:

Ambry Genetics
Classification: Uncertain significance. Last evaluated: 2024-05-20. Review status: criteria provided, single submitter. Criteria: Ambry Variant Classification Scheme 2023. Collection method: clinical testing. Allele origin: germline.
Comment: The c.1531G>A (p.D511N) alteration is located in exon (coding exon ) of the HIPK2 gene. This alteration results from a G to A substitution at nucleotide position 1531, causing the aspartic acid (D) at amino acid position 511 to be replaced by an asparagine (N). Based on insufficient or conflicting evidence, the clinical significance of this alteration remains unclear.

NM_022740.5(HIPK2):c.1531G>A (p.Asp511Asn)

Gene: HIPK2 (homeodomain interacting protein kinase 2; minus strand). Cytogenetic location: 7q34.
Variant type: single nucleotide variant.
Coding change: c.1531G>A on transcript NM_022740.5 (MANE Select); coding-DNA position 1531, G replaced by A.
Protein change: p.Asp511Asn; replaces aspartic acid 511 with asparagine.
Molecular consequence: missense variant.
Genome position (GRCh38, 1-based): chr7:139,626,689, C>T on the plus strand (G>A on the coding strand, the complement: HIPK2 is on the minus strand). VCF-style: chr7-139626689-C-T. GRCh37 (hg19) VCF-style: chr7-139311435-C-T.
Other names: c.1531G>A, p.Asp511Asn (NM_001113239.3); short protein forms D511N.
Identifiers: ClinVar variation 3284325 (VCV003284325.1).